The following is an entry in ClinVar:

ClinVar aggregate classification (germline): Conflicting classifications of pathogenicity. Review status: criteria provided, conflicting classifications (1 of 4 stars). 8 submissions from 8 submitters: Pathogenic (5); Likely pathogenic (2); Uncertain significance (1). Last evaluated 2025-11-18.

Conditions:
Pretibial dystrophic epidermolysis bullosa. Also called: Pretibial blistering; EPIDERMOLYSIS BULLOSA DYSTROPHICA, PRETIBIAL; Pretibial epidermolysis bullosa. Identifiers: Orphanet 79410, MedGen C0432321, MONDO:0007552, OMIM 131850, HP:0012221.
Nonsyndromic congenital nail disorder 8. Also called: TOENAIL DYSTROPHY, ISOLATED. Identifiers: MedGen C1843761, MONDO:0011852, OMIM 607523.
Transient bullous dermolysis of the newborn (TBDN). Also called: EPIDERMOLYSIS BULLOSA DYSTROPHICA, NEONATAL FORM; DYSTROPHIC EPIDERMOLYSIS BULLOSA, NEONATAL. Identifiers: Orphanet 79411, MedGen C1851573, MONDO:0007548, OMIM 131705.
Epidermolysis bullosa pruriginosa. Also called: DEB, PRURIGINOSA; DYSTROPHIC EPIDERMOLYSIS BULLOSA PRURIGINOSA. Identifiers: Orphanet 89843, MedGen C1275114, MONDO:0011398, OMIM 604129.
Recessive dystrophic epidermolysis bullosa (RDEB). Also called: severe generalized recessive dystrophic epidermolysis bullosa; EPIDERMOLYSIS BULLOSA DYSTROPHICA, GENERALIZED SEVERE, AUTOSOMAL RECESSIVE; DYSTROPHIC EPIDERMOLYSIS BULLOSA, AUTOSOMAL RECESSIVE; EPIDERMOLYSIS BULLOSA DYSTROPHICA, HALLOPEAU-SIEMENS TYPE; Recessive DEB (RDEB); Hallopeau-Siemens Disease. Identifiers: Orphanet 79408, Orphanet 79409, MedGen C0079474, MONDO:0009179, OMIM 226600.
Epidermolysis bullosa dystrophica. Also called: Dystrophic epidermolysis bullosa, Hallopeau-Siemens type (formerly); Dystrophic epidermolysis bullosa. Identifiers: Orphanet 303, MedGen C0079294, MONDO:0006543.

Submissions (8):

Natera, Inc.
Classification: Pathogenic for Dystrophic epidermolysis bullosa. Last evaluated: 2025-11-18. Review status: criteria provided, single submitter. Criteria: Natera Variant Classification Schema (03/2026). Collection method: clinical testing. Allele origin: germline.
Comment: The c.3942dupG variant in COL7A1 is a frameshift variant predicted to shift the reading frame beginning at codon 1315 and leads to a stop codon 45 codons downstream. This variant is expected to result in nonsense mediated decay, truncation, or a dysfunctional protein product. This variant has been observed in one or more individuals affected with the associated recessive disease, as either homozygous or compound heterozygous with a second variant (PMID: 22382802, 16971478, 16971478, 17425959, 28853495). Given the available evidence, this variant is classified as Pathogenic.

Women's Health and Genetics/Laboratory Corporation of America, LabCorp
Classification: Pathogenic for Recessive dystrophic epidermolysis bullosa. Last evaluated: 2025-10-06. Review status: criteria provided, single submitter. Criteria: LabCorp Variant Classification Summary - May 2015. Collection method: clinical testing. Allele origin: germline.
Comment: Variant summary: COL7A1 c.3942dupG (p.Asn1315GlufsX45) results in a premature termination codon, predicted to cause a truncation of the encoded protein or absence of the protein due to nonsense mediated decay, which are commonly known mechanisms for disease. The variant allele was found at a frequency of 2e-05 in 246190 control chromosomes. c.3942dupG has been observed in individual(s) affected with Dystrophic Epidermolysis Bullosa, Recessive (e.g., Aradhya_2012). The following publication has been ascertained in the context of this evaluation (PMID: 22382802). ClinVar contains an entry for this variant (Variation ID: 279787). Based on the evidence outlined above, the variant was classified as pathogenic.

Labcorp Genetics (formerly Invitae), Labcorp
Classification: Pathogenic. Last evaluated: 2025-02-10. Review status: criteria provided, single submitter. Criteria: Invitae Variant Classification Sherloc (09022015). Collection method: clinical testing. Allele origin: germline.
Comment: This sequence change creates a premature translational stop signal (p.Asn1315Glufs*45) in the COL7A1 gene. It is expected to result in an absent or disrupted protein product. Loss-of-function variants in COL7A1 are known to be pathogenic (PMID: 16971478). This variant is present in population databases (rs747912732, gnomAD 0.04%). This premature translational stop signal has been observed in individuals with autosomal recessive dystrophic epidermolysis bullosa (PMID: 16971478). ClinVar contains an entry for this variant (Variation ID: 279787). For these reasons, this variant has been classified as Pathogenic.

Myriad Genetics, Inc.
Classification: Pathogenic for Recessive dystrophic epidermolysis bullosa. Last evaluated: 2024-05-13. Review status: criteria provided, single submitter. Criteria: Myriad Autosomal Dominant, Autosomal Recessive and X-Linked Classification Criteria (2023). Collection method: clinical testing. Allele origin: unknown.
Comment: NM_000094.3(COL7A1):c.3942dupG(N1315Efs*45) is expected to be pathogenic in the context of dystrophic epidermolysis bullosa. This variant is predicted to lead to an abnormal or absent protein product due to the creation of a premature termination codon in COL7A1, a gene where loss-of-function variants are known to be pathogenic. Please note: this variant was assessed in the context of healthy population screening.

Department of Pathology and Laboratory Medicine, Sinai Health System
Classification: Likely pathogenic for Epidermolysis bullosa pruriginosa; Transient bullous dermolysis of the newborn; Pretibial dystrophic epidermolysis bullosa; Nonsyndromic congenital nail disorder 8; Recessive dystrophic epidermolysis bullosa. Last evaluated: 2022-11-10. Review status: criteria provided, single submitter. Criteria: ACMG Guidelines, 2015. Collection method: research. Allele origin: germline.

GeneDx
Classification: Pathogenic. Last evaluated: 2022-05-31. Review status: criteria provided, single submitter. Criteria: GeneDx Variant Classification Process June 2021. Collection method: clinical testing. Allele origin: germline. Affected: yes.
Comment: Frameshift variant predicted to result in protein truncation or nonsense mediated decay in a gene for which loss of function is a known mechanism of disease; This variant is associated with the following publications: (PMID: 16971478, 29625052)

Illumina Laboratory Services, Illumina
Classification: Likely pathogenic for Dystrophic epidermolysis bullosa. Last evaluated: 2018-12-18. Review status: criteria provided, single submitter. Criteria: ICSL Variant Classification Criteria 09 May 2019. Collection method: clinical testing. Allele origin: germline.
Comment: The COL7A1 c.3942dupG (p.Asn1315GlufsTer45) frameshift variant, also referred to as 3943insG, has been reported in one study and is found in a total of three individuals, including in two in a compound heterozygous state and in one in a heterozygous state in whom a second variant was not identified (Varki et al. 2007). The inheritance pattern and clinical phenotypes of the three individuals were consistent with autosomal recessive dystrophic epidermolysis bullosa. Control data are unavailable for this variant, which is reported at a frequency of 0.000413 in the Ashkenazi Jewish population of the Genome Aggregation Database. Based on the evidence and due to the potential impact of frameshift variants, the p.Asn1315GlufsTer45 variant is classified as likely pathogenic for dystrophic epidermolysis bullosa. This variant was observed by ICSL as part of a predisposition screen in an ostensibly healthy population.

CeGaT Center for Human Genetics Tuebingen
Classification: Uncertain significance. Last evaluated: 2017-01-01. Review status: criteria provided, single submitter. Criteria: CeGaT Center For Human Genetics Tuebingen Variant Classification Criteria Version 2. Collection method: clinical testing. Allele origin: germline. Affected: yes. Observed: 1 variant allele.

Literature cited by the submitters: PubMed 22382802 (cited by Natera, Inc. and Women's Health and Genetics/Laboratory Corporation of America, LabCorp); PubMed 16971478 (cited by 3 submitters); PubMed 17425959 (cited by Natera, Inc.); PubMed 28853495 (cited by Natera, Inc.).

NM_000094.4(COL7A1):c.3942dup (p.Asn1315fs)

Gene: COL7A1 (collagen type VII alpha 1 chain; minus strand). Cytogenetic location: 3p21.31.
Variant type: Duplication.
Coding change: c.3942dup on transcript NM_000094.4 (MANE Select); coding-DNA position 3942, one base duplicated (G; older notation c.3942dupG).
Protein change: p.Asn1315fs; shifts the reading frame from asparagine 1315.
Molecular consequence: frameshift variant.
Genome position (GRCh38, 1-based): chr3:48,585,069, C duplicated on the plus strand (G on the coding strand, the reverse complement: COL7A1 is on the minus strand); the first of 3 consecutive C bases (chr3:48,585,069-48,585,071); duplicating any one gives the same sequence. VCF-style (leftmost placement, unchanged base first): chr3-48585068-T-TC. GRCh37 (hg19) VCF-style: chr3-48622501-T-TC.
Other names: c.3942dupG (NM_000094.3, NM_000094.4); short protein forms N1315fs.
Identifiers: ClinVar variation 279787 (VCV000279787.63), dbSNP rs747912732, ClinGen allele CA2380320.